The following is an entry in ClinVar:

ClinVar aggregate classification (germline): Uncertain significance. Review status: criteria provided, multiple submitters, no conflicts (2 of 4 stars). 2 submissions from 2 submitters: Uncertain significance (2). Last evaluated 2025-01-23.

Conditions:
Kleefstra syndrome 1 (KLEFS1). Identifiers: Orphanet 261494, MedGen C0795833, MONDO:0027407, OMIM 610253.

Submissions (2):

GeneDx
Classification: Uncertain significance. Last evaluated: 2025-01-23. Review status: criteria provided, single submitter. Criteria: GeneDx Variant Classification Process June 2021. Collection method: clinical testing. Allele origin: germline. Affected: yes.
Comment: Not observed at significant frequency in large population cohorts (gnomAD); In silico analysis supports that this missense variant has a deleterious effect on protein structure/function; Has not been previously published as pathogenic or benign to our knowledge

Labcorp Genetics (formerly Invitae), Labcorp
Classification: Uncertain significance for Kleefstra syndrome 1. Last evaluated: 2021-02-06. Review status: criteria provided, single submitter. Criteria: Invitae Variant Classification Sherloc (09022015). Collection method: clinical testing. Allele origin: germline.
Comment: In summary, the available evidence is currently insufficient to determine the role of this variant in disease. Therefore, it has been classified as a Variant of Uncertain Significance. Algorithms developed to predict the effect of missense changes on protein structure and function are either unavailable or do not agree on the potential impact of this missense change (SIFT: "Deleterious"; PolyPhen-2: "Benign"; Align-GVGD: "Class C0"). This sequence change replaces glycine with arginine at codon 1182 of the EHMT1 protein (p.Gly1182Arg). The glycine residue is highly conserved and there is a moderate physicochemical difference between glycine and arginine. This variant is not present in population databases (ExAC no frequency). This variant has not been reported in the literature in individuals with EHMT1-related conditions.

NM_024757.5(EHMT1):c.3544G>C (p.Gly1182Arg)

Gene: EHMT1 (euchromatic histone lysine methyltransferase 1; plus strand). Cytogenetic location: 9q34.3.
Variant type: single nucleotide variant.
Coding change: c.3544G>C on transcript NM_024757.5 (MANE Select); coding-DNA position 3544, G replaced by C.
Protein change: p.Gly1182Arg; replaces glycine 1182 with arginine.
Molecular consequence: missense variant.
Genome position (GRCh38, 1-based): chr9:137,834,352, G>C. VCF-style: chr9-137834352-G-C. GRCh37 (hg19) VCF-style: chr9-140728804-G-C.
Other names: c.3544G>C (NM_024757.4); c.3523G>C, p.Gly1175Arg (NM_001354263.2); short protein forms G1182R, G1175R.
Identifiers: ClinVar variation 1447618 (VCV001447618.9), dbSNP rs2133151801, ClinGen allele CA375781144.